The following is an entry in ClinVar:

NM_007194.4(CHEK2):c.1561C>T (p.Arg521Trp)

Gene: CHEK2 (checkpoint kinase 2; minus strand). Cytogenetic location: 22q12.1.
Variant type: single nucleotide variant.
Coding change: c.1561C>T on transcript NM_007194.4 (MANE Select); coding-DNA position 1561, C replaced by T.
Protein change: p.Arg521Trp; replaces arginine 521 with tryptophan.
Molecular consequence: missense variant.
Genome position (GRCh38, 1-based): chr22:28,687,968, G>A on the plus strand (C>T on the coding strand, the complement: CHEK2 is on the minus strand). VCF-style: chr22-28687968-G-A. GRCh37 (hg19) VCF-style: chr22-29083956-G-A.
Other names: p.R521W:CGG>TGG; c.1690C>T, p.Arg564Trp (NM_001005735.3); c.898C>T, p.Arg300Trp (NM_001257387.3); c.1360C>T, p.Arg454Trp (NM_001349956.3); c.1474C>T, p.Arg492Trp (NM_145862.3); short protein forms R521W, R564W, R300W, R454W, R492W.
Identifiers: ClinVar variation 140881 (VCV000140881.54), dbSNP rs533475838, ClinGen allele CA293965.

ClinVar aggregate classification (germline): Uncertain significance. Review status: criteria provided, multiple submitters, no conflicts (2 of 4 stars). 17 submissions from 17 submitters: Uncertain significance (15). 2 of the submissions do not count toward it. Last evaluated 2026-02-03.

Conditions:
CHEK2-related disorder.
Hereditary cancer. Identifiers: MedGen C1333600.
Breast and/or ovarian cancer. Identifiers: MedGen CN221562.
Hereditary cancer-predisposing syndrome. Also called: Tumor predisposition; Neoplastic Syndromes, Hereditary; Hereditary neoplastic syndrome; Hereditary Cancer Syndrome. Identifiers: Orphanet 140162, MedGen C0027672, MeSH D009386, MONDO:0015356.
Hereditary breast ovarian cancer syndrome. Also called: Hereditary breast and ovarian cancer syndrome; Hereditary breast and ovarian cancer; Hereditary breast and ovarian cancer syndrome (HBOC); Hereditary breast and/or ovarian cancer syndrome; BRCA1- and BRCA2-Associated Hereditary Breast and Ovarian Cancer; Breast and ovarian cancer. Identifiers: Orphanet 145, MedGen C0677776, MeSH D061325, MONDO:0003582. Disease mechanism: loss of function.
Familial cancer of breast. Also called: BREAST CANCER, FAMILIAL; Hereditary breast cancer; hereditary breast carcinoma. Identifiers: Orphanet 227535, MedGen C0346153, MONDO:0016419, OMIM 114480. Disease mechanism: loss of function.
Malignant tumor of breast. Also called: Malignant breast neoplasm; Cancer breast. Identifiers: MedGen C0006142, MONDO:0007254. Disease mechanism: loss of function.

Allele frequency attached by ClinVar (database versions not stated): gnomAD 0.00003; TOPMed 0.00003; ExAC 0.00004; gnomAD exomes 0.00005; 1000 Genomes Project 30x 0.00016; 1000 Genomes Project 0.00020.
gnomAD v4.1: 72 of 1,595,990 alleles (0.0045%); highest among the groups gnomAD compares: East Asian, 0.058%; no homozygotes.

Submissions 1 to 7 of 17:

Labcorp Genetics (formerly Invitae), Labcorp
Classification: Uncertain significance for Familial cancer of breast. Last evaluated: 2026-02-03. Review status: criteria provided, single submitter. Criteria: Invitae Variant Classification Sherloc (09022015). Collection method: clinical testing. Allele origin: germline.
Comment: This sequence change replaces arginine, which is basic and polar, with tryptophan, which is neutral and slightly polar, at codon 521 of the CHEK2 protein (p.Arg521Trp). The frequency data for this variant in the population databases is considered unreliable, as metrics indicate poor data quality at this position in the gnomAD database. This missense change has been observed in individual(s) with breast and/or ovarian cancer (PMID: 27783279, 28580595, 30287823, 32068069, 34903604, 34991090). This variant is also known as c.1690C>T (p.Arg564Trp). ClinVar contains an entry for this variant (Variation ID: 140881). An algorithm developed to predict the effect of missense changes on protein structure and function (PolyPhen-2) suggests that this variant is likely to be tolerated. Experimental studies are conflicting or provide insufficient evidence to determine the effect of this variant on CHEK2 function (PMID: 30851065, 34903604, 39146382). In summary, the available evidence is currently insufficient to determine the role of this variant in disease. Therefore, it has been classified as a Variant of Uncertain Significance.

PreventionGenetics, part of Exact Sciences
Classification: Uncertain significance for CHEK2-related condition. Last evaluated: 2025-09-12. Review status: criteria provided, single submitter. Criteria: ACMG Guidelines, 2015. Collection method: clinical testing. Allele origin: germline.
Comment: The CHEK2 c.1561C>T variant is predicted to result in the amino acid substitution p.Arg521Trp. This variant (also described as p.Arg564Trp using alternate nomenclature) has been reported in multiple individuals with breast cancer (Kim et al. 2017. PubMed ID: 27783279; Xie et al. 2017. PubMed ID: 28580595; Momozawa et al. 2018. PubMed ID: 30287823; Kwong et al. 2020. PubMed ID: 3206869). An in vitro functional study found that mouse embryonic stem cells expressing the p.Arg521Trp variant protein retained intermediate kinase activity (~43%) but had altered enzyme kinetics and slightly reduced protein stability relative to wild type (Boonen et al. 2022. PubMed ID: 34903604). This variant is reported in 0.041% of alleles in individuals of East Asian descent in gnomAD and is interpreted as a variant of uncertain significance in ClinVar (Variation ID: 140881). At this time, the clinical significance of this variant is uncertain due to the absence of conclusive functional and genetic evidence.

Women's Health and Genetics/Laboratory Corporation of America, LabCorp
Classification: Uncertain significance. Last evaluated: 2025-07-14. Review status: criteria provided, single submitter. Criteria: LabCorp Variant Classification Summary - May 2015. Collection method: clinical testing. Allele origin: germline.
Comment: Variant summary: CHEK2 c.1561C>T (p.Arg521Trp) results in a non-conservative amino acid change in the encoded protein sequence. Algorithms developed to predict the effect of missense changes on protein structure and function are either unavailable or do not agree on the potential impact of this missense change. The variant allele was found at a frequency of 0.00028 in 309214 control chromosomes. This frequency is not significantly higher than estimated for a pathogenic variant in CHEK2 causing Hereditary Breast And Ovarian Cancer Syndrome (0.00028 vs 0.00031), allowing no conclusion about variant significance. c.1561C>T has been reported in the literature in individuals affected with Hereditary Breast And Ovarian Cancer Syndrome. These reports do not provide unequivocal conclusions about association of the variant with Hereditary Breast And Ovarian Cancer Syndrome. At least two publications report experimental evidence evaluating an impact on protein function and showed that this variant has no or intermediate effect on protein function (Delimitsou_2019, Boonen_2022). The following publications have been ascertained in the context of this evaluation (PMID: 27783279, 28580595, 30287823, 30851065, 31358837, 32068069, 34903604, 32973888). ClinVar contains an entry for this variant (Variation ID: 140881). Based on the evidence outlined above, the variant was classified as VUS-possibly benign.

Ambry Genetics
Classification: Uncertain significance for Hereditary cancer-predisposing syndrome. Last evaluated: 2025-05-16. Review status: criteria provided, single submitter. Criteria: Ambry Variant Classification Scheme 2023. Collection method: clinical testing. Allele origin: germline.
Comment: The p.R521W variant (also known as c.1561C>T), located in coding exon 14 of the CHEK2 gene, results from a C to T substitution at nucleotide position 1561. The arginine at codon 521 is replaced by tryptophan, an amino acid with dissimilar properties. This alteration has been detected in breast cancer probands from Korea and Japan but also has been seen in Japanese healthy control populations (Kim H et al. Breast Cancer Res. Treat. 2017 01;161(1):95-102; Momozowa Y et al. Nat Commun 2018 10;9(1):4083). Protein functional studies for this variant are conflicting (Delimitsou A et al. Hum Mutat, 2019 05;40:631-648; Boonen, RACM et al. Cancer Res 2022 Feb;82(4):615-631; Stolarova L et al. Clin Cancer Res 2023 Aug;29(16):3037-3050). In addition, the in silico prediction for this alteration is inconclusive. Based on the available evidence, the clinical significance of this variant remains unclear.

Center for Genomic Medicine, Rigshospitalet, Copenhagen University Hospital
Classification: Uncertain significance. Last evaluated: 2025-03-04. Review status: criteria provided, single submitter. Criteria: ACMG Guidelines, 2015. Collection method: clinical testing. Allele origin: germline.

Mendelics
Classification: Uncertain significance for Hereditary cancer. Last evaluated: 2025-02-26. Review status: criteria provided, single submitter. Criteria: ACMG Guidelines, 2015. Collection method: clinical testing. Allele origin: unknown.
Comment: The available evidence is insufficient to conclusively determine the role of this variant. Therefore, it is classified as a Variant of Uncertain Significance.

Quest Diagnostics Nichols Institute San Juan Capistrano
Classification: Uncertain significance. Last evaluated: 2024-12-27. Review status: criteria provided, single submitter. Criteria: Quest Diagnostics criteria. Collection method: clinical testing. Allele origin: unknown.
Comment: The CHEK2 c.1561C>T (p.Arg521Trp) variant has been reported in the published literature in individuals with breast cancer (PMID: 27783279 (2016), 30287823 (2018), 28580595 (2018), 33471991 (2021), and 35534704 (2022)) as well as in reportedly healthy individuals (PMID: 30287823 (2018) and 33471991 (2021)). This variant has shown to result from interlocus gene conversion (PMID: 22090377 (2016)). Assessment of experimental evidence regarding the effect of this variant on protein function is inconclusive. In an experimental study using a yeast-based DNA damage repair assay, this variant showed a neutral effect on CHEK2 protein function (PMID: 30851065 (2019)). However, a more recent study using a mouse embryonic stem cell-based system showed an intermediate effect for this variant on targeted kinase activity of the protein (PMID: 34903604 (2021)). The frequency of this variant in the general population (Genome Aggregation Database) is uninformative in the assessment of its pathogenicity. Analysis of this variant using bioinformatics tools for the prediction of the effect of amino acid changes on protein structure and function yielded predictions that this variant is damaging. Based on the available information, we are unable to determine the clinical significance of this variant.